The following is an entry in ClinVar:

NM_005157.6(ABL1):c.1946C>A (p.Thr649Asn)

Gene: ABL1 (ABL proto-oncogene 1, non-receptor tyrosine kinase; plus strand). Cytogenetic location: 9q34.12.
Variant type: single nucleotide variant.
Coding change: c.1946C>A on transcript NM_005157.6 (MANE Select); coding-DNA position 1946, C replaced by A.
Protein change: p.Thr649Asn; replaces threonine 649 with asparagine.
Molecular consequence: missense variant.
Genome position (GRCh38, 1-based): chr9:130,884,236, C>A. VCF-style: chr9-130884236-C-A. GRCh37 (hg19) VCF-style: chr9-133759623-C-A.
Other names: c.2003C>A, p.Thr668Asn (NM_007313.3); short protein forms T649N, T668N.
Identifiers: ClinVar variation 3624513 (VCV003624513.2).

ClinVar aggregate classification (germline): Uncertain significance (1 of 4 stars; one submission).

gnomAD v4.1: 2 of 1,602,368 alleles (0.00012%); highest among the groups gnomAD compares: African/African-American, 0.0027%; no homozygotes.

Submission:

Labcorp Genetics (formerly Invitae), Labcorp
Classification: Uncertain significance. Last evaluated: 2024-10-17. Review status: criteria provided, single submitter. Criteria: Invitae Variant Classification Sherloc (09022015). Collection method: clinical testing. Allele origin: germline.
Comment: This sequence change replaces threonine, which is neutral and polar, with asparagine, which is neutral and polar, at codon 668 of the ABL1 protein (p.Thr668Asn). This variant is not present in population databases (gnomAD no frequency). This variant has not been reported in the literature in individuals affected with ABL1-related conditions. Invitae Evidence Modeling of protein sequence and biophysical properties (such as structural, functional, and spatial information, amino acid conservation, physicochemical variation, residue mobility, and thermodynamic stability) indicates that this missense variant is not expected to disrupt ABL1 protein function with a negative predictive value of 95%. In summary, the available evidence is currently insufficient to determine the role of this variant in disease. Therefore, it has been classified as a Variant of Uncertain Significance.